The following is an entry in ClinVar:

NM_001098511.3(KIF2A):c.1169G>T (p.Gly390Val)

Gene: KIF2A (kinesin family member 2A; plus strand). Cytogenetic location: 5q12.1.
Variant type: single nucleotide variant.
Coding change: c.1169G>T on transcript NM_001098511.3 (MANE Select); coding-DNA position 1169, G replaced by T.
Protein change: p.Gly390Val; replaces glycine 390 with valine.
Molecular consequence: missense variant.
Genome position (GRCh38, 1-based): chr5:62,363,227, G>T. VCF-style: chr5-62363227-G-T. GRCh37 (hg19) VCF-style: chr5-61659054-G-T.
Other names: c.1088G>T, p.Gly363Val (NM_001243952.2); c.1112G>T, p.Gly371Val (NM_001243953.2); c.1169G>T, p.Gly390Val (NM_004520.5); short protein forms G390V, G363V, G371V.
Identifiers: ClinVar variation 4713619 (VCV004713619.1).

ClinVar aggregate classification (germline): Uncertain significance (1 of 4 stars; one submission).

Submission:

Labcorp Genetics (formerly Invitae), Labcorp
Classification: Uncertain significance. Last evaluated: 2025-03-06. Review status: criteria provided, single submitter. Criteria: Invitae Variant Classification Sherloc (09022015). Collection method: clinical testing. Allele origin: germline.
Comment: This sequence change replaces glycine, which is neutral and non-polar, with valine, which is neutral and non-polar, at codon 390 of the KIF2A protein (p.Gly390Val). This variant is not present in population databases (gnomAD no frequency). This variant has not been reported in the literature in individuals affected with KIF2A-related conditions. An algorithm developed to predict the effect of missense changes on protein structure and function (PolyPhen-2) suggests that this variant is likely to be disruptive. In summary, the available evidence is currently insufficient to determine the role of this variant in disease. Therefore, it has been classified as a Variant of Uncertain Significance.